The following is an entry in ClinVar:

NM_005663.5(NELFA):c.1290C>T (p.Asn430=)

Gene: NELFA (negative elongation factor complex member A; minus strand). Cytogenetic location: 4p16.3.
Variant type: single nucleotide variant.
Coding change: c.1290C>T on transcript NM_005663.5 (MANE Select); coding-DNA position 1290, C replaced by T.
Protein change: p.Asn430=; no amino-acid change (asparagine 430 retained).
Molecular consequence: synonymous variant.
Genome position (GRCh38, 1-based): chr4:1,983,860, G>A on the plus strand (C>T on the coding strand, the complement: NELFA is on the minus strand). VCF-style: chr4-1983860-G-A. GRCh37 (hg19) VCF-style: chr4-1985587-G-A.
Identifiers: ClinVar variation 788777 (VCV000788777.29), dbSNP rs1139902, ClinGen allele CA2813141.

ClinVar aggregate classification (germline): Benign. Review status: criteria provided, multiple submitters, no conflicts (2 of 4 stars). 3 submissions from 3 submitters: Benign (3). Last evaluated 2026-08-01.

Allele frequency attached by ClinVar (database versions not stated): 1000 Genomes Project 0.00399; 1000 Genomes Project 30x 0.00468; gnomAD 0.00694 and 0.00704; TOPMed 0.00727; ExAC 0.00809; gnomAD exomes 0.00817; ESP Exome Variant Server 0.00846.
gnomAD v4.1: 12,240 of 1,576,208 alleles (0.78%); highest among the groups gnomAD compares: Middle Eastern, 3.9%; 96 homozygotes.

Submissions (3):

CeGaT Center for Human Genetics Tuebingen
Classification: Benign. Last evaluated: 2026-08-01. Review status: criteria provided, single submitter. Criteria: CeGaT Center For Human Genetics Tuebingen Variant Classification Criteria Version 2. Collection method: clinical testing. Allele origin: germline. Affected: yes. Observed: 6 variant alleles.
Comment: NELFA: BP4, BP7, BS1, BS2

Labcorp Genetics (formerly Invitae), Labcorp
Classification: Benign. Last evaluated: 2019-12-31. Review status: criteria provided, single submitter. Criteria: Invitae Variant Classification Sherloc (09022015). Collection method: clinical testing. Allele origin: germline.

Breakthrough Genomics
Classification: Benign. Review status: criteria provided, single submitter. Criteria: ACMG Guidelines, 2015. Collection method: not provided. Allele origin: germline. Inheritance: Unknown mechanism. Affected: yes.